The following is an entry in ClinVar:

ClinVar aggregate classification (germline): Likely pathogenic (1 of 4 stars; one submission).

Submission:

Labcorp Genetics (formerly Invitae), Labcorp
Classification: Likely pathogenic. Last evaluated: 2022-04-04. Review status: criteria provided, single submitter. Criteria: Invitae Variant Classification Sherloc (09022015). Collection method: clinical testing. Allele origin: germline.
Comment: In summary, the currently available evidence indicates that the variant is pathogenic, but additional data are needed to prove that conclusively. Therefore, this variant has been classified as Likely Pathogenic. This variant results in the deletion of part of exon 1 (c.143_271+2568del) of the SLC12A6 gene. It is expected to disrupt RNA splicing. Variants that disrupt the donor or acceptor splice site typically lead to a loss of protein function (PMID: 16199547), and loss-of-function variants in SLC12A6 are known to be pathogenic (PMID: 12368912, 16606917). This variant has not been reported in the literature in individuals affected with SLC12A6-related conditions.

Literature cited by the submitters: PubMed 16199547; PubMed 12368912; PubMed 16606917.

NC_000015.9:g.(?_34626043)_(34628739_?)del

Gene: SLC12A6 (solute carrier family 12 member 6; minus strand). Cytogenetic location: 15q14.
Variant type: Deletion.
Identifiers: ClinVar variation 2427226 (VCV002427226.4).